The following is an entry in ClinVar:

NM_033026.6(PCLO):c.3518T>G (p.Leu1173Arg)

Gene: PCLO (piccolo presynaptic cytomatrix protein; minus strand). Cytogenetic location: 7q21.11.
Variant type: single nucleotide variant.
Coding change: c.3518T>G on transcript NM_033026.6 (MANE Select); coding-DNA position 3518, T replaced by G.
Protein change: p.Leu1173Arg; replaces leucine 1173 with arginine.
Molecular consequence: missense variant.
Genome position (GRCh38, 1-based): chr7:82,966,270, A>C on the plus strand (T>G on the coding strand, the complement: PCLO is on the minus strand). VCF-style: chr7-82966270-A-C. GRCh37 (hg19) VCF-style: chr7-82595586-A-C.
Other names: c.3518T>G, p.Leu1173Arg (NM_014510.3); short protein forms L1173R.
Identifiers: ClinVar variation 1366332 (VCV001366332.7), dbSNP rs761053170, ClinGen allele CA4321023.

ClinVar aggregate classification (germline): Uncertain significance (1 of 4 stars; one submission).

Allele frequency attached by ClinVar (database versions not stated): ExAC 0.00002; gnomAD 0.00003 and 0.00004; gnomAD exomes 0.00003.
gnomAD v4.1: 76 of 1,612,092 alleles (0.0047%); highest among the groups gnomAD compares: Admixed American, 0.012%; no homozygotes.

Submission:

Labcorp Genetics (formerly Invitae), Labcorp
Classification: Uncertain significance. Last evaluated: 2024-02-05. Review status: criteria provided, single submitter. Criteria: Invitae Variant Classification Sherloc (09022015). Collection method: clinical testing. Allele origin: germline.
Comment: This sequence change replaces leucine, which is neutral and non-polar, with arginine, which is basic and polar, at codon 1173 of the PCLO protein (p.Leu1173Arg). This variant is present in population databases (rs761053170, gnomAD 0.009%). This variant has not been reported in the literature in individuals affected with PCLO-related conditions. ClinVar contains an entry for this variant (Variation ID: 1366332). Experimental studies and prediction algorithms are not available or were not evaluated, and the functional significance of this variant is currently unknown. In summary, the available evidence is currently insufficient to determine the role of this variant in disease. Therefore, it has been classified as a Variant of Uncertain Significance.